The following is an entry in ClinVar:

NM_000429.3(MAT1A):c.359G>A (p.Cys120Tyr)

Gene: MAT1A (methionine adenosyltransferase 1A; minus strand). Cytogenetic location: 10q22.3.
Variant type: single nucleotide variant.
Coding change: c.359G>A on transcript NM_000429.3 (MANE Select); coding-DNA position 359, G replaced by A.
Protein change: p.Cys120Tyr; replaces cysteine 120 with tyrosine.
Molecular consequence: missense variant.
Genome position (GRCh38, 1-based): chr10:80,280,726, C>T on the plus strand (G>A on the coding strand, the complement: MAT1A is on the minus strand). VCF-style: chr10-80280726-C-T. GRCh37 (hg19) VCF-style: chr10-82040482-C-T.
Other names: short protein forms C120Y.
Identifiers: ClinVar variation 853951 (VCV000853951.10), dbSNP rs1589482236, ClinGen allele CA377363016.

ClinVar aggregate classification (germline): Uncertain significance. Review status: criteria provided, multiple submitters, no conflicts (2 of 4 stars). 2 submissions from 2 submitters: Uncertain significance (2). Last evaluated 2023-08-05.

Conditions:
Hepatic methionine adenosyltransferase deficiency. Also called: MAT I/III DEFICIENCY; Isolated Persistent Hypermethioninemia; Methionine adenosyltransferase deficiency; Deficiency of methionine adenosyltransferase. Identifiers: Orphanet 168598, MedGen C0268621, MeSH C564683, MONDO:0009607, OMIM 250850.

Submissions (2):

Labcorp Genetics (formerly Invitae), Labcorp
Classification: Uncertain significance for Hepatic methionine adenosyltransferase deficiency. Last evaluated: 2023-08-05. Review status: criteria provided, single submitter. Criteria: Invitae Variant Classification Sherloc (09022015). Collection method: clinical testing. Allele origin: germline.
Comment: Advanced modeling of protein sequence and biophysical properties (such as structural, functional, and spatial information, amino acid conservation, physicochemical variation, residue mobility, and thermodynamic stability) performed at Invitae indicates that this missense variant is not expected to disrupt MAT1A protein function. This sequence change replaces cysteine, which is neutral and slightly polar, with tyrosine, which is neutral and polar, at codon 120 of the MAT1A protein (p.Cys120Tyr). This variant is not present in population databases (gnomAD no frequency). This variant has not been reported in the literature in individuals affected with MAT1A-related conditions. ClinVar contains an entry for this variant (Variation ID: 853951). Algorithms developed to predict the effect of sequence changes on RNA splicing suggest that this variant may create or strengthen a splice site. In summary, the available evidence is currently insufficient to determine the role of this variant in disease. Therefore, it has been classified as a Variant of Uncertain Significance.

Laboratory of Metabolic Disorders, Peking University First Hospital
Classification: Uncertain significance for Hepatic methionine adenosyltransferase deficiency. Last evaluated: 2022-08-07. Review status: criteria provided, single submitter. Criteria: ACMG Guidelines, 2015. Collection method: clinical testing. Allele origin: inherited. Affected: yes.